The following is an entry in ClinVar:

ClinVar aggregate classification (germline): Uncertain significance. Review status: criteria provided, multiple submitters, no conflicts (2 of 4 stars). 2 submissions from 2 submitters: Uncertain significance (2). Last evaluated 2025-05-23.

Allele frequency attached by ClinVar (database versions not stated): gnomAD exomes below 0.00001.
gnomAD v4.1: 2 of 1,597,324 alleles (0.00013%); highest among the groups gnomAD compares: Non-Finnish European, 0.00017%; no homozygotes.

Submissions (2):

Ambry Genetics
Classification: Uncertain significance. Last evaluated: 2025-05-23. Review status: criteria provided, single submitter. Criteria: Ambry Variant Classification Scheme 2023. Collection method: clinical testing. Allele origin: germline.

Labcorp Genetics (formerly Invitae), Labcorp
Classification: Uncertain significance. Last evaluated: 2024-05-14. Review status: criteria provided, single submitter. Criteria: Invitae Variant Classification Sherloc (09022015). Collection method: clinical testing. Allele origin: germline.
Comment: This sequence change replaces threonine, which is neutral and polar, with proline, which is neutral and non-polar, at codon 250 of the ARIH1 protein (p.Thr250Pro). This variant is not present in population databases (gnomAD no frequency). This variant has not been reported in the literature in individuals affected with ARIH1-related conditions. An algorithm developed to predict the effect of missense changes on protein structure and function (PolyPhen-2) suggests that this variant is likely to be tolerated. In summary, the available evidence is currently insufficient to determine the role of this variant in disease. Therefore, it has been classified as a Variant of Uncertain Significance.

NM_005744.5(ARIH1):c.748A>C (p.Thr250Pro)

Gene: ARIH1 (ariadne RBR E3 ubiquitin protein ligase 1; plus strand). Cytogenetic location: 15q24.1.
Variant type: single nucleotide variant.
Coding change: c.748A>C on transcript NM_005744.5 (MANE Select); coding-DNA position 748, A replaced by C.
Protein change: p.Thr250Pro; replaces threonine 250 with proline.
Molecular consequence: missense variant.
Genome position (GRCh38, 1-based): chr15:72,561,493, A>C. VCF-style: chr15-72561493-A-C. GRCh37 (hg19) VCF-style: chr15-72853834-A-C.
Other names: c.748A>C (NM_005744.3); short protein forms T250P.
Identifiers: ClinVar variation 2998003 (VCV002998003.4), dbSNP rs2542759831, ClinGen allele CA393239735.